The following is an entry in ClinVar:

ClinVar aggregate classification (germline): Uncertain significance (1 of 4 stars; one submission).

Conditions:
Intellectual developmental disorder, autosomal dominant 1. Also called: Intellectual disability, autosomal dominant 1; MBD5 Haploinsufficiency. Identifiers: Orphanet 228402, MedGen C1969562, MONDO:0007974, OMIM 156200.

Submission:

Labcorp Genetics (formerly Invitae), Labcorp
Classification: Uncertain significance for Intellectual developmental disorder, autosomal dominant 1. Last evaluated: 2024-01-11. Review status: criteria provided, single submitter. Criteria: Invitae Variant Classification Sherloc (09022015). Collection method: clinical testing. Allele origin: germline.
Comment: This sequence change replaces alanine, which is neutral and non-polar, with threonine, which is neutral and polar, at codon 142 of the MBD5 protein (p.Ala142Thr). This variant is not present in population databases (gnomAD no frequency). This variant has not been reported in the literature in individuals affected with MBD5-related conditions. Advanced modeling of protein sequence and biophysical properties (such as structural, functional, and spatial information, amino acid conservation, physicochemical variation, residue mobility, and thermodynamic stability) performed at Invitae indicates that this missense variant is not expected to disrupt MBD5 protein function with a negative predictive value of 80%. In summary, the available evidence is currently insufficient to determine the role of this variant in disease. Therefore, it has been classified as a Variant of Uncertain Significance.

NM_001378120.1(MBD5):c.424G>A (p.Ala142Thr)

Gene: MBD5 (methyl-CpG binding domain protein 5; plus strand). Cytogenetic location: 2q23.1.
Variant type: single nucleotide variant.
Coding change: c.424G>A on transcript NM_001378120.1 (MANE Select); coding-DNA position 424, G replaced by A.
Protein change: p.Ala142Thr; replaces alanine 142 with threonine.
Molecular consequence: missense variant.
Genome position (GRCh38, 1-based): chr2:148,468,367, G>A. VCF-style: chr2-148468367-G-A. GRCh37 (hg19) VCF-style: chr2-149225936-G-A.
Other names: c.424G>A, p.Ala142Thr (NM_018328.5); short protein forms A142T.
Identifiers: ClinVar variation 2708928 (VCV002708928.3), dbSNP rs2469853876, ClinGen allele CA348716760.